The following is an entry in ClinVar:

ClinVar aggregate classification (germline): Pathogenic/Likely pathogenic. Review status: criteria provided, multiple submitters, no conflicts (2 of 4 stars). 6 submissions from 6 submitters: Pathogenic (3); Likely pathogenic (2). 1 of the submissions does not count toward it. Last evaluated 2025-03-22.

Conditions:
BBS10-related disorder. Also called: BBS10-related condition.
Bardet-Biedl syndrome (BBS). Identifiers: Orphanet 110, MedGen C0752166, MONDO:0015229.
Bardet-Biedl syndrome 10 (BBS10). Identifiers: Orphanet 110, MedGen C1859568, MONDO:0014438, OMIM 615987.

Submissions (6):

Labcorp Genetics (formerly Invitae), Labcorp
Classification: Pathogenic for Bardet-Biedl syndrome. Last evaluated: 2025-03-22. Review status: criteria provided, single submitter. Criteria: Invitae Variant Classification Sherloc (09022015). Collection method: clinical testing. Allele origin: germline.
Comment: This sequence change creates a premature translational stop signal (p.Tyr559*) in the BBS10 gene. While this is not anticipated to result in nonsense mediated decay, it is expected to disrupt the last 165 amino acid(s) of the BBS10 protein. This variant is present in population databases (no rsID available, gnomAD 0.0009%). This premature translational stop signal has been observed in individual(s) with Bardet–Biedl syndrome (PMID: 20472660, 27788217, 28808579). In at least one individual the data is consistent with being in trans (on the opposite chromosome) from a pathogenic variant. ClinVar contains an entry for this variant (Variation ID: 371499). This variant disrupts a region of the BBS10 protein in which other variant(s) (p.Val707*) have been determined to be pathogenic (PMID: 20472660, 22773737, 25982971, 27486776). This suggests that this is a clinically significant region of the protein, and that variants that disrupt it are likely to be disease-causing. For these reasons, this variant has been classified as Pathogenic.

Blueprint Genetics
Classification: Likely pathogenic for BBS10-related disorders. Last evaluated: 2024-07-05. Review status: criteria provided, single submitter. Criteria: ACMG Guidelines, 2015. Collection method: clinical testing. Allele origin: germline. Affected: yes. Observed: 1 variant allele.

Natera, Inc.
Classification: Pathogenic for Bardet-Biedl syndrome type 10. Last evaluated: 2024-05-29. Review status: criteria provided, single submitter. Criteria: Natera Variant Classification Schema (03/2026). Collection method: clinical testing. Allele origin: germline.
Comment: The c.1677C>G variant in BBS10 is a nonsense variant predicted to introduce a stop codon at amino acid 559. This variant is expected to result in nonsense mediated decay, truncation, or a dysfunctional protein product. This variant is rare in the general population with a frequency below the threshold expected for the associated phenotype(s). This variant has been observed in one or more individuals affected with the associated recessive disease, as either homozygous or compound heterozygous with a second variant (PMID: 22410627). Given the available evidence, this variant is classified as Pathogenic.

Baylor Genetics
Classification: Pathogenic for Bardet-Biedl syndrome 10. Last evaluated: 2024-02-19. Review status: criteria provided, single submitter. Criteria: ACMG Guidelines, 2015. Collection method: clinical testing. Allele origin: unknown.

Fulgent Genetics
Classification: Likely pathogenic for Bardet-Biedl syndrome 10. Last evaluated: 2024-02-02. Review status: criteria provided, single submitter. Criteria: ACMG Guidelines, 2015. Collection method: clinical testing. Allele origin: germline.

Counsyl
Classification: Pathogenic for Bardet-Biedl syndrome 10. Last evaluated: 2016-10-11. Review status: no assertion criteria provided. Collection method: clinical testing. Allele origin: unknown. Not counted in ClinVar's aggregate classification.

Literature cited by the submitters: PubMed 20472660 (cited by Labcorp Genetics (formerly Invitae), Labcorp); PubMed 27788217 (cited by Labcorp Genetics (formerly Invitae), Labcorp); PubMed 28808579 (cited by Labcorp Genetics (formerly Invitae), Labcorp); PubMed 22773737 (cited by Labcorp Genetics (formerly Invitae), Labcorp); PubMed 25982971 (cited by Labcorp Genetics (formerly Invitae), Labcorp); PubMed 27486776 (cited by Labcorp Genetics (formerly Invitae), Labcorp); PubMed 22410627 (cited by Natera, Inc.).

NM_024685.4(BBS10):c.1677C>G (p.Tyr559Ter)

Gene: BBS10 (Bardet-Biedl syndrome 10; minus strand). Cytogenetic location: 12q21.2.
Variant type: single nucleotide variant.
Coding change: c.1677C>G on transcript NM_024685.4 (MANE Select); coding-DNA position 1677, C replaced by G.
Protein change: p.Tyr559Ter; replaces tyrosine 559 with a stop codon.
Molecular consequence: nonsense.
Genome position (GRCh38, 1-based): chr12:76,346,308, G>C on the plus strand (C>G on the coding strand, the complement: BBS10 is on the minus strand). VCF-style: chr12-76346308-G-C. GRCh37 (hg19) VCF-style: chr12-76740088-G-C.
Other names: c.1677C>G, p.Tyr559Ter (LRG_1255t1); short protein forms Y559*.
Identifiers: ClinVar variation 371499 (VCV000371499.13), dbSNP rs375413604, ClinGen allele CA16041577.